The following is an entry in ClinVar:

ClinVar aggregate classification (germline): Pathogenic (1 of 4 stars; one submission).

Conditions:
Glutaric aciduria, type 1. Also called: Glutaryl-CoA dehydrogenase deficiency; Glutaricaciduria, type I; GA I; Glutaric acidemia type I; Glutaricacidemia Type 1; Glutaric Acidemia Type 1. Identifiers: Orphanet 25, MedGen C0268595, MONDO:0009281, OMIM 231670.

Submission:

Labcorp Genetics (formerly Invitae), Labcorp
Classification: Pathogenic for Glutaric aciduria, type 1. Last evaluated: 2019-04-09. Review status: criteria provided, single submitter. Criteria: Invitae Variant Classification Sherloc (09022015). Collection method: clinical testing. Allele origin: germline.
Comment: This variant is a deletion of the genomic region encompassing exons 7-9 and part of exon 6 of the GCDH gene. It is expected to disrupt RNA splicing and likely results in an absent or disrupted protein product. This variant has not been reported in the literature in individuals with GCDH-related conditions. This variant disrupts the p.Arg161 amino acid residue in GCDH. Other variant(s) that disrupt this residue have been determined to be pathogenic (PMID: 9600243, 20836999, 28781846, 28062662). This suggests that this residue is clinically significant, and that variants that disrupt this residue are likely to be disease-causing. Loss-of-function variants in GCDH are known to be pathogenic (PMID: 10699052, 11854167, 16602100). For these reasons, this variant has been classified as Pathogenic.

Literature cited by the submitters: PubMed 28062662; PubMed 20836999; PubMed 9600243; PubMed 28781846.

NM_000159.4(GCDH):c.428_957-39del

Gene: GCDH (glutaryl-CoA dehydrogenase; plus strand). Cytogenetic location: 19p13.13.
Variant type: Deletion.
Coding change: c.428_957-39del on transcript NM_000159.4 (MANE Select); coding-DNA position 428 through 39 bases into the intron before coding-DNA position 957, 3,689 bases deleted.
Molecular consequence: splice acceptor variant, splice donor variant.
Genome position (GRCh38, 1-based): chr19:12,893,576-12,897,264, 3,689 bases deleted. GRCh37 (hg19): chr19:13,004,390-13,008,078.
Other names: c.428_957-39del (NM_013976.5).
Identifiers: ClinVar variation 840282 (VCV000840282.1), ClinGen allele CA916083685.